The following is an entry in ClinVar:

NM_138694.4(PKHD1):c.7210G>A (p.Ala2404Thr)

Gene: PKHD1 (PKHD1 ciliary IPT domain containing fibrocystin/polyductin; minus strand). Cytogenetic location: 6p12.2.
Variant type: single nucleotide variant.
Coding change: c.7210G>A on transcript NM_138694.4 (MANE Select); coding-DNA position 7210, G replaced by A.
Protein change: p.Ala2404Thr; replaces alanine 2404 with threonine.
Molecular consequence: missense variant.
Genome position (GRCh38, 1-based): chr6:51,885,872, C>T on the plus strand (G>A on the coding strand, the complement: PKHD1 is on the minus strand). VCF-style: chr6-51885872-C-T. GRCh37 (hg19) VCF-style: chr6-51750670-C-T.
Other names: c.7210G>A, p.Ala2404Thr (NM_170724.3); short protein forms A2404T.
Identifiers: ClinVar variation 2152497 (VCV002152497.4), dbSNP rs2536224690, ClinGen allele CA364423083.
Genomic context (GRCh38, chr6:51,885,872, plus strand): 5'-TGACAGTTTTAATTTTAAAAACAACAACAATAACAACAACAACAAAAAAGCTTACCTGGG[C>T]ACCACCTGCACTTTCCCAAACTGTGAAGCTCTGGAACAGAGTGGTGCCAGTGACATTATC-3'
Protein context (NP_619639.3, residues 2394-2414): SFTVWESAGG[Ala2404Thr]QIFRSSNLRL

ClinVar aggregate classification (germline): Uncertain significance (1 of 4 stars; one submission).

Conditions:
Autosomal recessive polycystic kidney disease (ARPKD). Also called: AR polycystic kidney disease. Identifiers: Orphanet 731, Orphanet 8378, MedGen C0085548, MeSH D017044, MONDO:0009889.

Submission:

Labcorp Genetics (formerly Invitae), Labcorp
Classification: Uncertain significance for Autosomal recessive polycystic kidney disease. Last evaluated: 2022-07-23. Review status: criteria provided, single submitter. Criteria: Invitae Variant Classification Sherloc (09022015). Collection method: clinical testing. Allele origin: germline.
Comment: In summary, the available evidence is currently insufficient to determine the role of this variant in disease. Therefore, it has been classified as a Variant of Uncertain Significance. Advanced modeling of protein sequence and biophysical properties (such as structural, functional, and spatial information, amino acid conservation, physicochemical variation, residue mobility, and thermodynamic stability) performed at Invitae indicates that this missense variant is not expected to disrupt PKHD1 protein function. This variant has not been reported in the literature in individuals affected with PKHD1-related conditions. This variant is not present in population databases (gnomAD no frequency). This sequence change replaces alanine, which is neutral and non-polar, with threonine, which is neutral and polar, at codon 2404 of the PKHD1 protein (p.Ala2404Thr).